The following is an entry in ClinVar:

ClinVar aggregate classification (germline): Conflicting classifications of pathogenicity. Review status: criteria provided, conflicting classifications (1 of 4 stars). 2 submissions from 2 submitters: Uncertain significance (1); Likely benign (1). Last evaluated 2025-11-05.

Conditions:
Inborn genetic diseases. Identifiers: MedGen C0950123, MeSH D030342.

Allele frequency attached by ClinVar (database versions not stated): gnomAD 0.00001; gnomAD exomes below 0.00001.
gnomAD v4.1: 2 of 1,614,034 alleles (0.00012%); highest among the groups gnomAD compares: African/African-American, 0.0013%; no homozygotes.

Submissions (2):

Ambry Genetics
Classification: Likely benign for Inborn genetic diseases. Last evaluated: 2025-11-05. Review status: criteria provided, single submitter. Criteria: Ambry Variant Classification Scheme 2023. Collection method: clinical testing. Allele origin: germline.

Labcorp Genetics (formerly Invitae), Labcorp
Classification: Uncertain significance. Last evaluated: 2022-10-24. Review status: criteria provided, single submitter. Criteria: Invitae Variant Classification Sherloc (09022015). Collection method: clinical testing. Allele origin: germline.
Comment: In summary, the available evidence is currently insufficient to determine the role of this variant in disease. Therefore, it has been classified as a Variant of Uncertain Significance. Algorithms developed to predict the effect of missense changes on protein structure and function output the following: SIFT: "Tolerated"; PolyPhen-2: "Benign"; Align-GVGD: "Class C0". The serine amino acid residue is found in multiple mammalian species, which suggests that this missense change does not adversely affect protein function. This variant has not been reported in the literature in individuals affected with ATR-related conditions. This variant is present in population databases (no rsID available, gnomAD 0.01%). This sequence change replaces asparagine, which is neutral and polar, with serine, which is neutral and polar, at codon 951 of the ATR protein (p.Asn951Ser).

NM_001184.4(ATR):c.2852A>G (p.Asn951Ser)

Gene: ATR (ATR checkpoint kinase; minus strand). Cytogenetic location: 3q23.
Variant type: single nucleotide variant.
Coding change: c.2852A>G on transcript NM_001184.4 (MANE Select); coding-DNA position 2852, A replaced by G.
Protein change: p.Asn951Ser; replaces asparagine 951 with serine.
Molecular consequence: missense variant.
Genome position (GRCh38, 1-based): chr3:142,550,256, T>C on the plus strand (A>G on the coding strand, the complement: ATR is on the minus strand). VCF-style: chr3-142550256-T-C. GRCh37 (hg19) VCF-style: chr3-142269098-T-C.
Other names: c.2852A>G (NM_001184.3); c.2660A>G, p.Asn887Ser (NM_001354579.2); short protein forms N887S, N951S.
Identifiers: ClinVar variation 2053492 (VCV002053492.7), dbSNP rs1487781332, ClinGen allele CA354813209.